The following is an entry in ClinVar:

NM_001100.4(ACTA1):c.488A>G (p.His163Arg)

Gene: ACTA1 (actin alpha 1, skeletal muscle; minus strand). Cytogenetic location: 1q42.13.
Variant type: single nucleotide variant.
Coding change: c.488A>G on transcript NM_001100.4 (MANE Select); coding-DNA position 488, A replaced by G.
Protein change: p.His163Arg; replaces histidine 163 with arginine.
Molecular consequence: missense variant.
Genome position (GRCh38, 1-based): chr1:229,432,398, T>C on the plus strand (A>G on the coding strand, the complement: ACTA1 is on the minus strand). VCF-style: chr1-229432398-T-C. GRCh37 (hg19) VCF-style: chr1-229568145-T-C.
Other names: short protein forms H163R.
Identifiers: ClinVar variation 4531395 (VCV004531395.1).

ClinVar aggregate classification (germline): Pathogenic (1 of 4 stars; one submission).

Conditions:
Alpha-actinopathy. Also called: Actinopathy. Identifiers: MedGen CN295279, MONDO:0100084.

Submission:

Victorian Clinical Genetics Services, Murdoch Childrens Research Institute
Classification: Pathogenic for Alpha-actinopathy. Last evaluated: 2025-07-21. Review status: criteria provided, single submitter. Criteria: ACMG Guidelines, 2015. Collection method: clinical testing. Allele origin: germline. Affected: yes.
Comment: This variant is classified as Pathogenic. Evidence in support of pathogenic classification: Variant is absent from gnomAD (v2, v3 and v4); Another missense variant comparable to the one identified in this case has limited previous evidence for pathogenicity. An alternative change, p.(His163Gln), has been classified as pathogenic by a clinical laboratory in ClinVar. - Missense variant predicted to be damaging by in silico tool(s) or highly conserved with a major amino acid change; Additional information: Variant is predicted to result in a missense amino acid change from His to Arg; This variant is heterozygous; This gene is associated with both recessive and dominant disease. There is currently no genotype-phenotype correlation (OMIM); however, nearly all premature termination codons have been reported for the autosomal recessive disease (PMID: 19562689); This variant has no previous evidence of pathogenicity; No published evidence of segregation with disease has been identified for this variant; No published functional evidence has been identified for this variant; Variant is located in the annotated actin domain (DECIPHER). - Loss of function is a known mechanism and dominant negative is a likely mechanism of disease in this gene and is associated with alpha-actinopathy (MONDO:0100084). Missense variants have been described to result in decreased actin motility and create protein aggregates within the cytoplasm, though co-expression with wildtype was not observed (PMID: 15198992, OMIM).

Literature cited by the submitters: PubMed 15198992; PubMed 19562689.